The following is an entry in ClinVar:

NM_178857.6(RP1L1):c.148C>T (p.Arg50Cys)

Gene: RP1L1 (RP1 like 1). Cytogenetic location: 8p23.1.
Variant type: single nucleotide variant.
Coding change: c.148C>T on transcript NM_178857.6 (MANE Select); coding-DNA position 148, C replaced by T.
Protein change: p.Arg50Cys; replaces arginine 50 with cysteine.
Molecular consequence: missense variant.
Genome position (GRCh38, 1-based): chr8:10,623,054, G>A on the plus strand (C>T on the coding strand, the complement: RP1L1 is on the minus strand). VCF-style: chr8-10623054-G-A. GRCh37 (hg19) VCF-style: chr8-10480564-G-A.
Other names: short protein forms R50C.
Identifiers: ClinVar variation 453106 (VCV000453106.14), dbSNP rs369908377, ClinGen allele CA4625854.

ClinVar aggregate classification (germline): Uncertain significance. Review status: criteria provided, multiple submitters, no conflicts (2 of 4 stars). 4 submissions from 4 submitters: Uncertain significance (4). Last evaluated 2026-01-24.

Allele frequency attached by ClinVar (database versions not stated): gnomAD exomes 0.00006 and 0.00009; ESP Exome Variant Server 0.00008; TOPMed 0.00011; gnomAD 0.00013 and 0.00014; ExAC 0.00014; 1000 Genomes Project 0.00040; 1000 Genomes Project 30x 0.00047.

Submissions (4):

Labcorp Genetics (formerly Invitae), Labcorp
Classification: Uncertain significance. Last evaluated: 2026-01-24. Review status: criteria provided, single submitter. Criteria: Invitae Variant Classification Sherloc (09022015). Collection method: clinical testing. Allele origin: germline.
Comment: This sequence change replaces arginine, which is basic and polar, with cysteine, which is neutral and slightly polar, at codon 50 of the RP1L1 protein (p.Arg50Cys). This variant is present in population databases (rs369908377, gnomAD 0.02%). This missense change has been observed in individual(s) with RP1L1-related conditions (PMID: 32483926). ClinVar contains an entry for this variant (Variation ID: 453106). Invitae Evidence Modeling of protein sequence and biophysical properties (such as structural, functional, and spatial information, amino acid conservation, physicochemical variation, residue mobility, and thermodynamic stability) has been performed for this missense variant. However, the output from this modeling did not meet the statistical confidence thresholds required to predict the impact of this variant on RP1L1 protein function. In summary, the available evidence is currently insufficient to determine the role of this variant in disease. Therefore, it has been classified as a Variant of Uncertain Significance.

CeGaT Center for Human Genetics Tuebingen
Classification: Uncertain significance. Last evaluated: 2026-01-01. Review status: criteria provided, single submitter. Criteria: CeGaT Center For Human Genetics Tuebingen Variant Classification Criteria Version 2. Collection method: clinical testing. Allele origin: germline. Affected: yes. Observed: 1 variant allele.

Blueprint Genetics
Classification: Uncertain significance. Last evaluated: 2024-01-12. Review status: criteria provided, single submitter. Criteria: ACMG Guidelines, 2015. Collection method: clinical testing. Allele origin: germline.

GeneDx
Classification: Uncertain significance. Last evaluated: 2017-10-30. Review status: criteria provided, single submitter. Criteria: GeneDx Variant Classification (06012015). Collection method: clinical testing. Allele origin: germline. Affected: yes.
Comment: The R50C variant in the RP1L1 gene has not been reported previously as a pathogenic variant, nor as a benign variant, to our knowledge. The R50C variant is observed in 4/18,840 (0.02%) alleles from individuals of East Asian background in large population cohorts (Lek et al., 2016). The R50C variant is a non-conservative amino acid substitution, which is likely to impact secondary protein structure as these residues differ in polarity, charge, size and/or other properties. This substitution occurs at a position that is conserved in mammals, and in silico analysis predicts this variant is probably damaging to the protein structure/function. We interpret R50C as a variant of uncertain significance.

Literature cited by the submitters: PubMed 32483926 (cited by Labcorp Genetics (formerly Invitae), Labcorp).